The following is an entry in ClinVar:

ClinVar aggregate classification (germline): Uncertain significance. Review status: criteria provided, multiple submitters, no conflicts (2 of 4 stars). 2 submissions from 2 submitters: Uncertain significance (2). Last evaluated 2024-12-09.

Conditions:
Eculizumab, poor response to. Identifiers: MedGen C3810402, OMIM 615749.
Complement component 5 deficiency. Also called: C5 DEFICIENCY. Identifiers: MedGen C0343047, MONDO:0012295, OMIM 609536.

Allele frequency attached by ClinVar (database versions not stated): TOPMed below 0.00001; gnomAD 0.00001 and 0.00006; ExAC 0.00002; gnomAD exomes 0.00002 and 0.00003; 1000 Genomes Project 30x 0.00078; 1000 Genomes Project 0.00100.
gnomAD v4.1: 77 of 1,613,538 alleles (0.0048%); highest among the groups gnomAD compares: African/African-American, 0.065%; no homozygotes.

Submissions (2):

Labcorp Genetics (formerly Invitae), Labcorp
Classification: Uncertain significance. Last evaluated: 2024-12-09. Review status: criteria provided, single submitter. Criteria: Invitae Variant Classification Sherloc (09022015). Collection method: clinical testing. Allele origin: germline.
Comment: This sequence change replaces serine, which is neutral and polar, with leucine, which is neutral and non-polar, at codon 1416 of the C5 protein (p.Ser1416Leu). This variant is present in population databases (rs148636828, gnomAD 0.02%). This variant has not been reported in the literature in individuals affected with C5-related conditions. ClinVar contains an entry for this variant (Variation ID: 1347971). Invitae Evidence Modeling of protein sequence and biophysical properties (such as structural, functional, and spatial information, amino acid conservation, physicochemical variation, residue mobility, and thermodynamic stability) indicates that this missense variant is not expected to disrupt C5 protein function with a negative predictive value of 80%. In summary, the available evidence is currently insufficient to determine the role of this variant in disease. Therefore, it has been classified as a Variant of Uncertain Significance.

Fulgent Genetics
Classification: Uncertain significance for Complement component 5 deficiency; Eculizumab, poor response to. Last evaluated: 2022-05-10. Review status: criteria provided, single submitter. Criteria: ACMG Guidelines, 2015. Collection method: clinical testing. Allele origin: unknown.

NM_001735.3(C5):c.4247C>T (p.Ser1416Leu)

Gene: C5 (complement C5; minus strand). Cytogenetic location: 9q33.2.
Variant type: single nucleotide variant.
Coding change: c.4247C>T on transcript NM_001735.3 (MANE Select); coding-DNA position 4247, C replaced by T.
Protein change: p.Ser1416Leu; replaces serine 1416 with leucine.
Molecular consequence: missense variant.
Genome position (GRCh38, 1-based): chr9:120,963,712, G>A on the plus strand (C>T on the coding strand, the complement: C5 is on the minus strand). VCF-style: chr9-120963712-G-A. GRCh37 (hg19) VCF-style: chr9-123725990-G-A.
Other names: c.4265C>T, p.Ser1422Leu (NM_001317163.2); short protein forms S1416L, S1422L.
Identifiers: ClinVar variation 1347971 (VCV001347971.8), dbSNP rs148636828, ClinGen allele CA5217230.